The following is an entry in ClinVar:

ClinVar aggregate classification (germline): Uncertain significance (1 of 4 stars; one submission).

Conditions:
Inborn genetic diseases. Identifiers: MedGen C0950123, MeSH D030342.

Submission:

Ambry Genetics
Classification: Uncertain significance for Inborn genetic diseases. Last evaluated: 2024-10-11. Review status: criteria provided, single submitter. Criteria: Ambry Variant Classification Scheme 2023. Collection method: clinical testing. Allele origin: germline.
Comment: The p.F305L variant (also known as c.913T>C), located in coding exon 4 of the ATR gene, results from a T to C substitution at nucleotide position 913. The phenylalanine at codon 305 is replaced by leucine, an amino acid with highly similar properties. This amino acid position is conserved. In addition, this alteration is predicted to be tolerated by in silico analysis. Based on the available evidence, the clinical significance of this variant remains unclear.

NM_001184.4(ATR):c.913T>C (p.Phe305Leu)

Gene: ATR (ATR serine/threonine kinase; minus strand). Cytogenetic location: 3q23.
Variant type: single nucleotide variant.
Coding change: c.913T>C on transcript NM_001184.4 (MANE Select); coding-DNA position 913, T replaced by C.
Protein change: p.Phe305Leu; replaces phenylalanine 305 with leucine.
Molecular consequence: missense variant.
Genome position (GRCh38, 1-based): chr3:142,562,489, A>G on the plus strand (T>C on the coding strand, the complement: ATR is on the minus strand). VCF-style: chr3-142562489-A-G. GRCh37 (hg19) VCF-style: chr3-142281331-A-G.
Other names: c.913T>C, p.Phe305Leu (NM_001354579.2); short protein forms F305L.
Identifiers: ClinVar variation 3463000 (VCV003463000.1).